The following is an entry in ClinVar:

NM_001999.4(FBN2):c.7477G>T (p.Asp2493Tyr)

Gene: FBN2 (fibrillin 2; minus strand). Cytogenetic location: 5q23.3.
Variant type: single nucleotide variant.
Coding change: c.7477G>T on transcript NM_001999.4 (MANE Select); coding-DNA position 7477, G replaced by T.
Protein change: p.Asp2493Tyr; replaces aspartic acid 2493 with tyrosine.
Molecular consequence: missense variant.
Genome position (GRCh38, 1-based): chr5:128,276,155, C>A on the plus strand (G>T on the coding strand, the complement: FBN2 is on the minus strand). VCF-style: chr5-128276155-C-A. GRCh37 (hg19) VCF-style: chr5-127611847-C-A.
Other names: short protein forms D2493Y.
Identifiers: ClinVar variation 458778 (VCV000458778.9), dbSNP rs779483120, ClinGen allele CA360754091.

ClinVar aggregate classification (germline): Uncertain significance (1 of 4 stars; one submission).

Conditions:
Congenital contractural arachnodactyly (CCA). Also called: Beals-Hecht syndrome; BEALS SYNDROME; Arthrogryposis, distal, type 9. Identifiers: Orphanet 115, MedGen C0220668, MONDO:0007363, OMIM 121050.

gnomAD v4.1: 4 of 1,613,546 alleles (0.00025%); highest among the groups gnomAD compares: Non-Finnish European, 0.00034%; no homozygotes.

Submission:

Labcorp Genetics (formerly Invitae), Labcorp
Classification: Uncertain significance for Congenital contractural arachnodactyly. Last evaluated: 2017-04-11. Review status: criteria provided, single submitter. Criteria: Invitae Variant Classification Sherloc (09022015). Collection method: clinical testing. Allele origin: germline.
Comment: In summary, this variant is a novel missense change with uncertain impact on protein function. It has been classified as a Variant of Uncertain Significance. Algorithms developed to predict the effect of missense changes on protein structure and function do not agree on the potential impact of this missense change (SIFT: "Deleterious"; PolyPhen-2: "Probably Damaging"; Align-GVGD: "Class C15"). This variant is not present in population databases (ExAC no frequency) and has not been reported in the literature in individuals with a FBN2-related disease. This sequence change replaces aspartic acid with tyrosine at codon 2493 of the FBN2 protein (p.Asp2493Tyr). The aspartic acid residue is highly conserved and there is a large physicochemical difference between aspartic acid and tyrosine.